The following is an entry in ClinVar:

NM_000082.4(ERCC8):c.445_446del (p.Met149fs)

Gene: ERCC8 (ERCC excision repair 8, CSA ubiquitin ligase complex subunit; minus strand). Cytogenetic location: 5q12.1.
Variant type: Microsatellite.
Coding change: c.445_446del on transcript NM_000082.4 (MANE Select); coding-DNA positions 445 to 446, 2 bases deleted (AT; older notation c.445_446delAT).
Protein change: p.Met149fs; shifts the reading frame from methionine 149.
Molecular consequence: frameshift variant. On other transcripts: intron variant (1).
Genome position (GRCh38, 1-based): chr5:60,904,827-60,904,828, AT deleted on the plus strand (AT on the coding strand, the reverse complement: ERCC8 is on the minus strand); deleting any 2 consecutive bases within chr5:60,904,827-60,904,830 gives the same sequence; the c. name uses the placement nearest the transcript's 3' end. VCF-style (leftmost placement, unchanged base first): chr5-60904826-CAT-C. GRCh37 (hg19) VCF-style: chr5-60200653-CAT-C.
Other names: c.271_272del, p.Met91fs (NM_001007233.3); c.445_446del, p.Met149fs (NM_001007234.3); c.23-1112_23-1111del (NM_001290285.2); short protein forms M149fs, M91fs.
Identifiers: ClinVar variation 1070919 (VCV001070919.7), dbSNP rs2112495236, ClinGen allele CA2580613561.

ClinVar aggregate classification (germline): Pathogenic (1 of 4 stars; one submission).

Submission:

Labcorp Genetics (formerly Invitae), Labcorp
Classification: Pathogenic. Last evaluated: 2025-11-19. Review status: criteria provided, single submitter. Criteria: Invitae Variant Classification Sherloc (09022015). Collection method: clinical testing. Allele origin: germline.
Comment: This sequence change creates a premature translational stop signal (p.Met149Valfs*15) in the ERCC8 gene. It is expected to result in an absent or disrupted protein product. Loss-of-function variants in ERCC8 are known to be pathogenic (PMID: 29572252). This variant is not present in population databases (gnomAD no frequency). This variant has not been reported in the literature in individuals affected with ERCC8-related conditions. For these reasons, this variant has been classified as Pathogenic.

Literature cited by the submitters: PubMed 29572252.